The following continues an entry in ClinVar:

NM_000237.3(LPL):c.953A>G (p.Asn318Ser)

Gene: LPL. ClinVar aggregate classification (germline): Conflicting classifications of pathogenicity. Uncertain significance (11); Benign (5); Likely benign (2).

Submissions 16 to 23 of 23:

Mendelics
Classification: Uncertain significance for Hyperlipoproteinemia, type I. Last evaluated: 2019-05-28. Review status: criteria provided, single submitter. Criteria: Mendelics Assertion Criteria 2017. Collection method: clinical testing. Allele origin: unknown.

Ambry Genetics
Classification: Benign for Cardiovascular phenotype. Last evaluated: 2019-01-31. Review status: criteria provided, single submitter. Criteria: Ambry Variant Classification Scheme 2023. Collection method: clinical testing. Allele origin: germline.

Illumina Laboratory Services, Illumina
Classification: Uncertain significance for Hyperlipoproteinemia, type I. Last evaluated: 2017-04-27. Review status: criteria provided, single submitter. Criteria: ICSL Variant Classification Criteria 13 December 2019. Collection method: clinical testing. Allele origin: germline.
Comment: This variant was observed as part of a predisposition screen in an ostensibly healthy population. A literature search was performed for the gene, cDNA change, and amino acid change (where applicable). Publications were found based on this search. However, the evidence from the literature, in combination with allele frequency data from public databases where available, was not sufficient to rule this variant in or out of causing disease. Therefore, this variant is classified as a variant of unknown significance.

Natera, Inc.
Classification: Benign for Lipoprotein lipase deficiency. Last evaluated: 2019-11-14. Review status: no assertion criteria provided. Collection method: clinical testing. Allele origin: germline. Not counted in ClinVar's aggregate classification.

Department of Pathology and Laboratory Medicine, Sinai Health System
Classification: Uncertain significance. Review status: no assertion criteria provided. Collection method: clinical testing. Allele origin: unknown. Affected: yes. Study: The Canadian Open Genetics Repository (COGR). Not counted in ClinVar's aggregate classification.
Comment: The LPL p.Asn318Ser variant was identified in dbSNP (ID: rs268), Clinvitae, MutDB, LOVD 3.0 and ClinVar (reported as pathogenic for Hyperapobetalipoproteinemia by Genomics Research Center, Shahid Beheshti University of Medical Sciences), but was not identified in Cosmic. The variant was identified in control databases in 3667 of 282748 chromosomes (36 homozygous) at a frequency of 0.012969 increasing the likelihood this could be a low frequency benign variant (Genome Aggregation Database Feb 27, 2017). The variant was observed in the following populations: European (Finnish) in 521 of 25120 chromosomes (freq: 0.02074), European (non-Finnish) in 2569 of 129068 chromosomes (freq: 0.0199), Other in 96 of 7218 chromosomes (freq: 0.0133), Ashkenazi Jewish in 108 of 10370 chromosomes (freq: 0.01041), Latino in 239 of 35430 chromosomes (freq: 0.006746), African in 77 of 24972 chromosomes (freq: 0.003083) and South Asian in 57 of 30616 chromosomes (freq: 0.001862); it was not observed in the East Asian population. Reymer et al. (1995) identified the p.N318S variant in 20/169 (freq=0.59) heterozygous patients with familial combined hyperlipidemia and 10/215 (freq=0.023) heterozygous controls, with all carriers having decreased HDL-cholesterol levels (Reymer_1995_PMID: 8541837). The p.N318S variant was also identified in the heterozygous state in 6/19 patients of Northern Irish descent with severe hypertriglyceridemia (HTG) and was further found in the heterozygous state in 28/218 HTG patients (12.8%) compared to 13/314 controls (4.1%) (Wright_2008_PMID: 18068174). Surendran et al. (2012) identified the variant in 10/86 heterozygous HTG patients and in 2/86 homozygous HTG patients compared to 4/327 heterozygous controls (Surendran_2012_PMID: 22239554). The p.Asn318 residue is conserved in mammals but not in more distantly related organisms however four out of five computational analyses (PolyPhen-2, SIFT, AlignGVGD, BLOSUM) do not suggest a high likelihood of impact to the protein; this information is not predictive enough to rule out pathogenicity. In summary, based on the above information the clinical significance of this variant cannot be determined with certainty at this time. This variant is classified as a variant of uncertain significance.

AiLife Diagnostics
Classification: Likely pathogenic. Last evaluated: 2022-03-24. Review status: flagged submission. Criteria: ACMG Guidelines, 2015. Collection method: clinical testing. Allele origin: germline. Affected: yes. Observed: 225 variant alleles. Not counted in ClinVar's aggregate classification.
ClinVar note: Reason: Outlier claim with insufficient supporting evidence

Reproductive Health Research and Development, BGI Genomics
Classification: Pathogenic for Hyperapobetalipoproteinemia. Last evaluated: 2020-01-06. Review status: flagged submission. Collection method: curation. Allele origin: germline. Not counted in ClinVar's aggregate classification.
Comment: NM_000237.2:c.953A>G in the LPL gene has an allele frequency of 0.021 in European (Finnish) subpopulation in the gnomAD database, including 36 homozygous occurrences. However, since familial combined hyperlipidemia is estimated with a prevalence of 1 in 100, we decided not taken the prevalance and homozygous number in the gnomAD database as a strong benign evidence. This variant also known as Asn291Ser in literatures, has been detected in 11.8% (20/169) of persons affected with familial combined hyperlipidemia (PMID: 8541837). Functional analyses reveal that Asn291Ser mutation in the LPL gene is associated with significantly reduced HDL levels and results in a significant decrease in LPL catalytic activity. Taken together, we interpret it as Pathogenic/Likely pathogenic. ACMG/AMP criteria applied: PS4, PS3.
ClinVar note: Reason: Outlier claim with insufficient supporting evidence

OMIM
Classification: risk factor for COMBINED HYPERLIPIDEMIA, FAMILIAL, SUSCEPTIBILITY TO. Last evaluated: 1995-09-01. Review status: flagged submission. Collection method: literature only. Allele origin: germline. Not counted in ClinVar's aggregate classification.
ClinVar note: Reason: Outlier claim with insufficient supporting evidence

Literature cited by the submitters: PubMed 18068174 (cited by Victorian Clinical Genetics Services, Murdoch Childrens Research Institute); PubMed 12204001 (cited by Victorian Clinical Genetics Services, Murdoch Childrens Research Institute); PubMed 30685441 (cited by Victorian Clinical Genetics Services, Murdoch Childrens Research Institute); PubMed 22239554 (cited by Victorian Clinical Genetics Services, Murdoch Childrens Research Institute and Illumina Laboratory Services, Illumina); PubMed 30333156 (cited by Victorian Clinical Genetics Services, Murdoch Childrens Research Institute); PubMed 20429872 (cited by Victorian Clinical Genetics Services, Murdoch Childrens Research Institute); PubMed 25897955 (cited by Victorian Clinical Genetics Services, Murdoch Childrens Research Institute); PubMed 8808493 (cited by Victorian Clinical Genetics Services, Murdoch Childrens Research Institute and AiLife Diagnostics); PubMed 9498535 (cited by Victorian Clinical Genetics Services, Murdoch Childrens Research Institute); PubMed 8541837 (cited by Illumina Laboratory Services, Illumina and OMIM); PubMed 7647785 (cited by Illumina Laboratory Services, Illumina and AiLife Diagnostics); PubMed 28502509 (cited by AiLife Diagnostics); PubMed 7607318 (cited by AiLife Diagnostics); PubMed 31619059 (cited by AiLife Diagnostics); PubMed 28008009 (cited by AiLife Diagnostics); PubMed 32041611 (cited by AiLife Diagnostics); PubMed 22691586 (cited by AiLife Diagnostics); PubMed 24503134 (cited by AiLife Diagnostics); PubMed 28267856 (cited by AiLife Diagnostics); PubMed 19335919 (cited by AiLife Diagnostics); PubMed 24507774 (cited by AiLife Diagnostics); PubMed 26975783 (cited by AiLife Diagnostics); PubMed 29431110 (cited by AiLife Diagnostics); PubMed 27055971 (cited by AiLife Diagnostics); PubMed 18922999 (cited by AiLife Diagnostics); PubMed 20650961 (cited by AiLife Diagnostics); PubMed 8732773 (cited by AiLife Diagnostics).